The following is an entry in ClinVar:

ClinVar aggregate classification (germline): Uncertain significance (1 of 4 stars; one submission).

Submission:

GeneDx
Classification: Uncertain significance. Last evaluated: 2021-05-19. Review status: criteria provided, single submitter. Criteria: GeneDx Variant Classification Process June 2021. Collection method: clinical testing. Allele origin: germline. Affected: yes.
Comment: Not observed in large population cohorts (Lek et al., 2016); In silico analysis supports that this missense variant does not alter protein structure/function; Has not been previously published as pathogenic or benign to our knowledge

NM_001379200.1(TBX1):c.1213C>T (p.Pro405Ser)

Gene: TBX1 (T-box transcription factor 1; plus strand). Cytogenetic location: 22q11.21.
Variant type: single nucleotide variant.
Coding change: c.1213C>T on transcript NM_001379200.1 (MANE Select); coding-DNA position 1213, C replaced by T.
Protein change: p.Pro405Ser; replaces proline 405 with serine.
Molecular consequence: missense variant. On other transcripts: intron variant (2).
Genome position (GRCh38, 1-based): chr22:19,766,565, C>T. VCF-style: chr22-19766565-C-T. GRCh37 (hg19) VCF-style: chr22-19754088-C-T.
Other names: c.1186C>T, p.Pro396Ser (NM_080647.1); c.1009+563C>T (NM_005992.1, NM_080646.2); short protein forms P396S, P405S.
Identifiers: ClinVar variation 1326114 (VCV001326114.2), dbSNP rs2145838584, ClinGen allele CA410684547.
Genomic context (GRCh38, chr22:19,766,565, plus strand): 5'-GCCGGCGGCGCCGGCGGCTTAGTCCCGCTGCCCGGCGCGCCCGGAGGCCGGCCCAGTCCC[C>T]CGAACCCCGAGCTGCGCCTGGAGGCGCCCGGCGCATCGGAGCCGCTGCACCACCACCCCT-3'
Protein context (NP_001366129.1, residues 395-415): PGAPGGRPSP[Pro405Ser]NPELRLEAPG